The following is an entry in ClinVar:

ClinVar aggregate classification (germline): Conflicting classifications of pathogenicity. Review status: criteria provided, conflicting classifications (1 of 4 stars). 6 submissions from 6 submitters: Likely pathogenic (1); Uncertain significance (2). 3 of the submissions do not count toward it. Last evaluated 2024-09-10.

Conditions:
Focal segmental glomerulosclerosis 9 (FSGS9). Identifiers: Orphanet 656, MedGen C4015555, MONDO:0014539, OMIM 616220.
CRB2-related disorder. Also called: CRB2-related disorders; CRB2-related condition.

Allele frequency attached by ClinVar (database versions not stated): gnomAD 0.00001; TOPMed 0.00001; ExAC 0.00004; gnomAD exomes 0.00004 and 0.00006; 1000 Genomes Project 30x 0.00016; 1000 Genomes Project 0.00020.
gnomAD v4.1: 81 of 1,588,956 alleles (0.0051%); highest among the groups gnomAD compares: Non-Finnish European, 0.0066%; no homozygotes.

Submissions (6):

Blueprint Genetics
Classification: Likely pathogenic for CRB2-related disorders. Last evaluated: 2024-09-10. Review status: criteria provided, single submitter. Criteria: ACMG Guidelines, 2015. Collection method: clinical testing. Allele origin: germline. Affected: yes. Observed: 5 variant alleles.

MVZ Medizinische Genetik Mainz
Classification: Uncertain significance for Focal segmental glomerulosclerosis 9. Last evaluated: 2024-07-04. Review status: criteria provided, single submitter. Criteria: UK Practice Guidelines For Variant Classification V4 01 2020. Collection method: clinical testing. Allele origin: germline. Inheritance: Autosomal recessive inheritance. Affected: yes. Observed: 1 variant allele.
Comment: ACMG Criteria: PM3,PM2_SUP,PP4; Compound Heterozygote

Labcorp Genetics (formerly Invitae), Labcorp
Classification: Uncertain significance. Last evaluated: 2023-03-27. Review status: criteria provided, single submitter. Criteria: Invitae Variant Classification Sherloc (09022015). Collection method: clinical testing. Allele origin: germline.
Comment: This sequence change replaces glutamic acid, which is acidic and polar, with lysine, which is basic and polar, at codon 1092 of the CRB2 protein (p.Glu1092Lys). This variant is present in population databases (rs542637649, gnomAD 0.009%). This variant has not been reported in the literature in individuals affected with CRB2-related conditions. ClinVar contains an entry for this variant (Variation ID: 967245). Advanced modeling of protein sequence and biophysical properties (such as structural, functional, and spatial information, amino acid conservation, physicochemical variation, residue mobility, and thermodynamic stability) has been performed at Invitae for this missense variant, however the output from this modeling did not meet the statistical confidence thresholds required to predict the impact of this variant on CRB2 protein function. In summary, the available evidence is currently insufficient to determine the role of this variant in disease. Therefore, it has been classified as a Variant of Uncertain Significance.

PreventionGenetics, part of Exact Sciences
Classification: Uncertain significance for CRB2-related condition. Last evaluated: 2024-02-20. Review status: no assertion criteria provided. Collection method: clinical testing. Allele origin: germline. Not counted in ClinVar's aggregate classification.
Comment: The CRB2 c.3274G>A variant is predicted to result in the amino acid substitution p.Glu1092Lys. To our knowledge, this variant has not been reported in the literature. This variant is reported in 0.0086% of alleles in individuals of European (Non-Finnish) descent in gnomAD. At this time, the clinical significance of this variant is uncertain due to the absence of conclusive functional and genetic evidence.

Clinical Genetics DNA and cytogenetics Diagnostics Lab, Erasmus MC, Erasmus Medical Center
Classification: Uncertain significance. Review status: no assertion criteria provided. Collection method: clinical testing. Allele origin: germline. Affected: yes. Study: VKGL Data-share Consensus. Not counted in ClinVar's aggregate classification.

Joint Genome Diagnostic Labs from Nijmegen and Maastricht, Radboudumc and MUMC+
Classification: Uncertain significance. Review status: no assertion criteria provided. Collection method: clinical testing. Allele origin: germline. Affected: yes. Study: VKGL Data-share Consensus. Not counted in ClinVar's aggregate classification.

NM_173689.7(CRB2):c.3274G>A (p.Glu1092Lys)

Gene: CRB2 (crumbs cell polarity complex component 2; plus strand). Cytogenetic location: 9q33.3.
Variant type: single nucleotide variant.
Coding change: c.3274G>A on transcript NM_173689.7 (MANE Select); coding-DNA position 3274, G replaced by A.
Protein change: p.Glu1092Lys; replaces glutamic acid 1092 with lysine.
Molecular consequence: missense variant. On other transcripts: non-coding transcript variant (1).
Genome position (GRCh38, 1-based): chr9:123,373,805, G>A. VCF-style: chr9-123373805-G-A. GRCh37 (hg19) VCF-style: chr9-126136084-G-A.
Other names: short protein forms E1092K.
Identifiers: ClinVar variation 967245 (VCV000967245.17), dbSNP rs542637649, ClinGen allele CA5232405.
Genomic context (GRCh38, chr9:123,373,805, plus strand): 5'-CGTGACCTCTTCGACGCCTTTGCCTGCGCCTGCGGCCCGGGGTGGGAAGGCCCGCGCTGC[G>A]AAGCCCACGTCGACCCCTGTCACTCCGCCCCCTGCGCCCGTGGCCGCTGTCACACGCACC-3'
Protein context (NP_775960.4, residues 1082-1102): CGPGWEGPRC[Glu1092Lys]AHVDPCHSAP